The following is an entry in ClinVar:

NM_000391.4(TPP1):c.715G>A (p.Asp239Asn)

Gene: TPP1 (tripeptidyl peptidase 1; minus strand). Cytogenetic location: 11p15.4.
Variant type: single nucleotide variant.
Coding change: c.715G>A on transcript NM_000391.4 (MANE Select); coding-DNA position 715, G replaced by A.
Protein change: p.Asp239Asn; replaces aspartic acid 239 with asparagine.
Molecular consequence: missense variant.
Genome position (GRCh38, 1-based): chr11:6,616,832, C>T on the plus strand (G>A on the coding strand, the complement: TPP1 is on the minus strand). VCF-style: chr11-6616832-C-T. GRCh37 (hg19) VCF-style: chr11-6638063-C-T.
Other names: c.715G>A (NM_000391.3); short protein forms D239N.
Identifiers: ClinVar variation 3704086 (VCV003704086.3).
Genomic context (GRCh38, chr11:6,616,832, plus strand): 5'-GGGCTACTGATGCCTGATGTGCAAAGTTGCCACCGAAGAGGCGCATGAACTGAGCCAGGT[C>T]TGAGTCATGGAAATACTGCTCCAGGAACTATGGAGGGAGTCAGAGCAGAGATCGTGGGTC-3'
Protein context (NP_000382.3, residues 229-249): QFLEQYFHDS[Asp239Asn]LAQFMRLFGG

ClinVar aggregate classification (germline): Uncertain significance. Review status: criteria provided, multiple submitters, no conflicts (2 of 4 stars). 2 submissions from 2 submitters: Uncertain significance (2). Last evaluated 2025-05-20.

Submissions (2):

GeneDx
Classification: Uncertain significance. Last evaluated: 2025-05-20. Review status: criteria provided, single submitter. Criteria: GeneDx Variant Classification Process June 2021. Collection method: clinical testing. Allele origin: germline. Affected: yes.
Comment: Not observed at significant frequency in large population cohorts (gnomAD); In silico analysis supports that this missense variant has a deleterious effect on protein structure/function; Has not been previously published as pathogenic or benign to our knowledge

Labcorp Genetics (formerly Invitae), Labcorp
Classification: Uncertain significance. Last evaluated: 2025-03-20. Review status: criteria provided, single submitter. Criteria: Invitae Variant Classification Sherloc (09022015). Collection method: clinical testing. Allele origin: germline.
Comment: This sequence change replaces aspartic acid, which is acidic and polar, with asparagine, which is neutral and polar, at codon 239 of the TPP1 protein (p.Asp239Asn). This variant is not present in population databases (gnomAD no frequency). This variant has not been reported in the literature in individuals affected with TPP1-related conditions. Invitae Evidence Modeling of protein sequence and biophysical properties (such as structural, functional, and spatial information, amino acid conservation, physicochemical variation, residue mobility, and thermodynamic stability) indicates that this missense variant is expected to disrupt TPP1 protein function with a positive predictive value of 95%. In summary, the available evidence is currently insufficient to determine the role of this variant in disease. Therefore, it has been classified as a Variant of Uncertain Significance.